The following is an entry in ClinVar:

NM_001128126.3(AP4S1):c.306+40A>G

Gene: AP4S1 (adaptor related protein complex 4 subunit sigma 1; plus strand). Cytogenetic location: 14q12.
Variant type: single nucleotide variant.
Coding change: c.306+40A>G on transcript NM_001128126.3 (MANE Select); 40 bases into the intron after coding-DNA position 306, A replaced by G.
Molecular consequence: intron variant. On other transcripts: missense variant (2).
Genome position (GRCh38, 1-based): chr14:31,080,624, A>G. VCF-style: chr14-31080624-A-G. GRCh37 (hg19) VCF-style: chr14-31549830-A-G.
Other names: c.346A>G, p.Met116Val (NM_001254727.2, NM_007077.5); c.306+40A>G (NM_001254729.2, NM_001254728.2); c.295-4145A>G (NM_001254726.2); short protein forms M116V.
Identifiers: ClinVar variation 1400958 (VCV001400958.6), dbSNP rs757190469, ClinGen allele CA258583104.

ClinVar aggregate classification (germline): Uncertain significance (1 of 4 stars; one submission).

Conditions:
Spastic paraplegia. Identifiers: MedGen C0037772, HP:0001258.

Allele frequency attached by ClinVar (database versions not stated): gnomAD exomes 0.00001.
gnomAD v4.1: 12 of 1,613,570 alleles (0.00074%); highest among the groups gnomAD compares: South Asian, 0.0011%; no homozygotes.

Submission:

Labcorp Genetics (formerly Invitae), Labcorp
Classification: Uncertain significance for Spastic paraplegia. Last evaluated: 2025-03-10. Review status: criteria provided, single submitter. Criteria: Invitae Variant Classification Sherloc (09022015). Collection method: clinical testing. Allele origin: germline.
Comment: This sequence change replaces methionine, which is neutral and non-polar, with valine, which is neutral and non-polar, at codon 116 of the AP4S1 protein (p.Met116Val). This variant is not present in population databases (gnomAD no frequency). This variant has not been reported in the literature in individuals affected with AP4S1-related conditions. ClinVar contains an entry for this variant (Variation ID: 1400958). An algorithm developed to predict the effect of missense changes on protein structure and function outputs the following: PolyPhen-2: "Benign". The valine amino acid residue is found in multiple mammalian species, which suggests that this missense change does not adversely affect protein function. In summary, the available evidence is currently insufficient to determine the role of this variant in disease. Therefore, it has been classified as a Variant of Uncertain Significance.